The following is an entry in ClinVar:

NM_020435.4(GJC2):c.451G>A (p.Gly151Ser)

Gene: GJC2 (gap junction protein gamma 2; plus strand). Cytogenetic location: 1q42.13.
Variant type: single nucleotide variant.
Coding change: c.451G>A on transcript NM_020435.4 (MANE Select); coding-DNA position 451, G replaced by A.
Protein change: p.Gly151Ser; replaces glycine 151 with serine.
Molecular consequence: missense variant.
Genome position (GRCh38, 1-based): chr1:228,158,209, G>A. VCF-style: chr1-228158209-G-A. GRCh37 (hg19) VCF-style: chr1-228345910-G-A.
Other names: short protein forms G151S.
Identifiers: ClinVar variation 4760425 (VCV004760425.1).
Genomic context (GRCh38, chr1:228,158,209, plus strand): 5'-CCGCACGCCGGCTGGCCTGAGCCCGCCGACCTGGGCGAGGAGGAGCCCATGCTGGGCCTG[G>A]GCGAGGAGGAGGAGGAGGAGGAGACGGGGGCAGCCGAGGGCGCCGGCGAGGAAGCGGAGG-3'
Protein context (NP_065168.2, residues 141-161): LGEEEPMLGL[Gly151Ser]EEEEEEETGA

ClinVar aggregate classification (germline): Uncertain significance (1 of 4 stars; one submission).

Conditions:
Spastic paraplegia. Identifiers: MedGen C0037772, HP:0001258.

Submission:

Labcorp Genetics (formerly Invitae), Labcorp
Classification: Uncertain significance for Spastic paraplegia. Last evaluated: 2025-02-02. Review status: criteria provided, single submitter. Criteria: Invitae Variant Classification Sherloc (09022015). Collection method: clinical testing. Allele origin: germline.
Comment: This sequence change replaces glycine, which is neutral and non-polar, with serine, which is neutral and polar, at codon 151 of the GJC2 protein (p.Gly151Ser). This variant is not present in population databases (gnomAD no frequency). This variant has not been reported in the literature in individuals affected with GJC2-related conditions. Invitae Evidence Modeling of protein sequence and biophysical properties (such as structural, functional, and spatial information, amino acid conservation, physicochemical variation, residue mobility, and thermodynamic stability) has been performed for this missense variant. However, the output from this modeling did not meet the statistical confidence thresholds required to predict the impact of this variant on GJC2 protein function. In summary, the available evidence is currently insufficient to determine the role of this variant in disease. Therefore, it has been classified as a Variant of Uncertain Significance.